The following is an entry in ClinVar:

ClinVar aggregate classification (germline): Uncertain significance. Review status: criteria provided, multiple submitters, no conflicts (2 of 4 stars). 2 submissions from 2 submitters: Uncertain significance (2). Last evaluated 2025-09-22.

Conditions:
Inborn genetic diseases. Identifiers: MedGen C0950123, MeSH D030342.
Developmental and epileptic encephalopathy 112. Identifiers: MedGen C5882700, MONDO:0957812, OMIM 620537.

gnomAD v4.1: 9 of 1,612,608 alleles (0.00056%); highest among the groups gnomAD compares: Middle Eastern, 0.05%; no homozygotes.

Submissions (2):

Ambry Genetics
Classification: Uncertain significance for Inborn genetic diseases. Last evaluated: 2025-09-22. Review status: criteria provided, single submitter. Criteria: Ambry Variant Classification Scheme 2023. Collection method: clinical testing. Allele origin: germline.

Dasa
Classification: Uncertain significance for Developmental and epileptic encephalopathy 112. Last evaluated: 2024-12-26. Review status: criteria provided, single submitter. Criteria: DASA Assertion Criteria. Collection method: clinical testing. Allele origin: germline.
Comment: NM_139318.5(KCNH5):c.265G>A (p.Glu89Lys) is a missense variant that results in the substitution of glutamic acid with lysine. This variant is rare in population databases. The currently available literature and clinical evidence are not sufficient to establish a definitive association between this variant and the reported condition. Therefore, this variant is classified as a variant of uncertain significance.

NM_139318.5(KCNH5):c.265G>A (p.Glu89Lys)

Gene: KCNH5 (potassium voltage-gated channel subfamily H member 5; minus strand). Cytogenetic location: 14q23.2.
Variant type: single nucleotide variant.
Coding change: c.265G>A on transcript NM_139318.5 (MANE Select); coding-DNA position 265, G replaced by A.
Protein change: p.Glu89Lys; replaces glutamic acid 89 with lysine.
Molecular consequence: missense variant.
Genome position (GRCh38, 1-based): chr14:63,006,405, C>T on the plus strand (G>A on the coding strand, the complement: KCNH5 is on the minus strand). VCF-style: chr14-63006405-C-T. GRCh37 (hg19) VCF-style: chr14-63473123-C-T.
Other names: c.265G>A, p.Glu89Lys (NM_172375.3); short protein forms E89K.
Identifiers: ClinVar variation 4622520 (VCV004622520.3).
Genomic context (GRCh38, chr14:63,006,405, plus strand): 5'-ATTAATAATTGAGATACCTACTGTTTTTCTTGTACAGAAGAACTTCAAAGCAGTTTGATT[C>T]GTAGTTGTCAAAAGTTTGCCTGACTTTCTCAATGGTCTTCTTGTCAGTCAATTCCCCATA-3'
Protein context (NP_647479.2, residues 79-99): EKVRQTFDNY[Glu89Lys]SNCFEVLLYK